The following is an entry in ClinVar:

ClinVar aggregate classification (germline): Uncertain significance. Review status: criteria provided, multiple submitters, no conflicts (2 of 4 stars). 2 submissions from 2 submitters: Uncertain significance (2). Last evaluated 2022-02-15.

Conditions:
Familial cancer of breast. Also called: Hereditary breast cancer; BREAST CANCER, FAMILIAL; hereditary breast carcinoma. Identifiers: Orphanet 227535, MedGen C0346153, MONDO:0016419, OMIM 114480. Disease mechanism: loss of function.
Fanconi anemia complementation group J. Also called: BRIP1-Related Fanconi Anemia. Identifiers: Orphanet 84, MedGen C1836860, MONDO:0012187, OMIM 609054.
Hereditary cancer-predisposing syndrome. Also called: Hereditary neoplastic syndrome; Tumor predisposition; Neoplastic Syndromes, Hereditary; Hereditary Cancer Syndrome. Identifiers: Orphanet 140162, MedGen C0027672, MeSH D009386, MONDO:0015356.

Allele frequency attached by ClinVar (database versions not stated): gnomAD exomes below 0.00001; TOPMed below 0.00001; gnomAD 0.00001.
gnomAD v4.1: 2 of 1,613,576 alleles (0.00012%); highest among the groups gnomAD compares: Non-Finnish European, 0.00017%; no homozygotes.

Submissions (2):

Ambry Genetics
Classification: Uncertain significance for Hereditary cancer-predisposing syndrome. Last evaluated: 2022-02-15. Review status: criteria provided, single submitter. Criteria: Ambry Variant Classification Scheme 2023. Collection method: clinical testing. Allele origin: germline.
Comment: The p.K433E variant (also known as c.1297A>G), located in coding exon 8 of the BRIP1 gene, results from an A to G substitution at nucleotide position 1297. The lysine at codon 433 is replaced by glutamic acid, an amino acid with similar properties. This amino acid position is conserved. In addition, this alteration is predicted to be tolerated by in silico analysis. Since supporting evidence is limited at this time, the clinical significance of this alteration remains unclear.

Labcorp Genetics (formerly Invitae), Labcorp
Classification: Uncertain significance for Familial cancer of breast; Fanconi anemia complementation group J. Last evaluated: 2021-07-26. Review status: criteria provided, single submitter. Criteria: Invitae Variant Classification Sherloc (09022015). Collection method: clinical testing. Allele origin: germline.
Comment: In summary, the available evidence is currently insufficient to determine the role of this variant in disease. Therefore, it has been classified as a Variant of Uncertain Significance. Algorithms developed to predict the effect of missense changes on protein structure and function are either unavailable or do not agree on the potential impact of this missense change (SIFT: "Tolerated"; PolyPhen-2: "Possibly Damaging"; Align-GVGD: "Class C0"). This variant has not been reported in the literature in individuals with BRIP1-related conditions. This variant is not present in population databases (ExAC no frequency). This sequence change replaces lysine with glutamic acid at codon 433 of the BRIP1 protein (p.Lys433Glu). The lysine residue is moderately conserved and there is a small physicochemical difference between lysine and glutamic acid.

NM_032043.3(BRIP1):c.1297A>G (p.Lys433Glu)

Gene: BRIP1 (BRCA1 interacting DNA helicase 1; minus strand). Cytogenetic location: 17q23.2.
Variant type: single nucleotide variant.
Coding change: c.1297A>G on transcript NM_032043.3 (MANE Select); coding-DNA position 1297, A replaced by G.
Protein change: p.Lys433Glu; replaces lysine 433 with glutamic acid.
Molecular consequence: missense variant.
Genome position (GRCh38, 1-based): chr17:61,799,143, T>C on the plus strand (A>G on the coding strand, the complement: BRIP1 is on the minus strand). VCF-style: chr17-61799143-T-C. GRCh37 (hg19) VCF-style: chr17-59876504-T-C.
Other names: short protein forms K433E.
Identifiers: ClinVar variation 962804 (VCV000962804.13), dbSNP rs2077947326, ClinGen allele CA400483494.